The following is an entry in ClinVar:

ClinVar aggregate classification (germline): Uncertain significance. Review status: criteria provided, multiple submitters, no conflicts (2 of 4 stars). 3 submissions from 3 submitters: Uncertain significance (3). Last evaluated 2023-11-30.

Conditions:
Dilated cardiomyopathy 1JJ (CMD1JJ). Identifiers: Orphanet 154, MedGen C3808935, MONDO:0014095, OMIM 615235.
Cardiovascular phenotype. Identifiers: MedGen CN230736.

Allele frequency attached by ClinVar (database versions not stated): ExAC 0.00001; gnomAD exomes 0.00001.
gnomAD v4.1: 11 of 1,614,008 alleles (0.00068%); highest among the groups gnomAD compares: Non-Finnish European, 0.00093%; no homozygotes.

Submissions (3):

Ambry Genetics
Classification: Uncertain significance for Cardiovascular phenotype. Last evaluated: 2023-11-30. Review status: criteria provided, single submitter. Criteria: Ambry Variant Classification Scheme 2023. Collection method: clinical testing. Allele origin: germline.
Comment: The p.G1583D variant (also known as c.4748G>A), located in coding exon 33 of the LAMA4 gene, results from a G to A substitution at nucleotide position 4748. The glycine at codon 1583 is replaced by aspartic acid, an amino acid with similar properties. This amino acid position is conserved. In addition, this alteration is predicted to be tolerated by in silico analysis. Since supporting evidence is limited at this time, the clinical significance of this alteration remains unclear.

Department of Pathology and Laboratory Medicine, Sinai Health System
Classification: Uncertain significance for Dilated cardiomyopathy 1JJ. Last evaluated: 2023-08-28. Review status: criteria provided, single submitter. Criteria: ACMG Guidelines, 2015. Collection method: research. Allele origin: germline.

Labcorp Genetics (formerly Invitae), Labcorp
Classification: Uncertain significance for Dilated cardiomyopathy 1JJ. Last evaluated: 2022-06-28. Review status: criteria provided, single submitter. Criteria: Invitae Variant Classification Sherloc (09022015). Collection method: clinical testing. Allele origin: germline.
Comment: In summary, the available evidence is currently insufficient to determine the role of this variant in disease. Therefore, it has been classified as a Variant of Uncertain Significance. Algorithms developed to predict the effect of missense changes on protein structure and function (SIFT, PolyPhen-2, Align-GVGD) all suggest that this variant is likely to be tolerated. This variant has not been reported in the literature in individuals affected with LAMA4-related conditions. This variant is present in population databases (rs782024353, gnomAD 0.003%). This sequence change replaces glycine, which is neutral and non-polar, with aspartic acid, which is acidic and polar, at codon 1583 of the LAMA4 protein (p.Gly1583Asp).

NM_001105206.3(LAMA4):c.4769G>A (p.Gly1590Asp)

Gene: LAMA4 (laminin subunit alpha 4; minus strand). Cytogenetic location: 6q21.
Variant type: single nucleotide variant.
Coding change: c.4769G>A on transcript NM_001105206.3 (MANE Select); coding-DNA position 4769, G replaced by A.
Protein change: p.Gly1590Asp; replaces glycine 1590 with aspartic acid.
Molecular consequence: missense variant.
Genome position (GRCh38, 1-based): chr6:112,119,208, C>T on the plus strand (G>A on the coding strand, the complement: LAMA4 is on the minus strand). VCF-style: chr6-112119208-C-T. GRCh37 (hg19) VCF-style: chr6-112440411-C-T.
Other names: c.4748G>A, p.Gly1583Asp (NM_001105207.3, NM_002290.5); short protein forms G1583D, G1590D.
Identifiers: ClinVar variation 2203376 (VCV002203376.6), dbSNP rs782024353, ClinGen allele CA3964912.